The following is an entry in ClinVar:

NM_004839.4(HOMER2):c.373A>G (p.Ser125Gly)

Gene: HOMER2 (homer scaffold protein 2; minus strand). Cytogenetic location: 15q25.2.
Variant type: single nucleotide variant.
Coding change: c.373A>G on transcript NM_004839.4 (MANE Select); coding-DNA position 373, A replaced by G.
Protein change: p.Ser125Gly; replaces serine 125 with glycine.
Molecular consequence: missense variant.
Genome position (GRCh38, 1-based): chr15:82,864,181, T>C on the plus strand (A>G on the coding strand, the complement: HOMER2 is on the minus strand). VCF-style: chr15-82864181-T-C. GRCh37 (hg19) VCF-style: chr15-83532933-T-C.
Other names: c.373A>G, p.Ser125Gly (NM_199330.3); short protein forms S125G.
Identifiers: ClinVar variation 2796753 (VCV002796753.3), dbSNP rs2151634377, ClinGen allele CA393323899.

ClinVar aggregate classification (germline): Uncertain significance (1 of 4 stars; one submission).

Submission:

Labcorp Genetics (formerly Invitae), Labcorp
Classification: Uncertain significance. Last evaluated: 2023-10-17. Review status: criteria provided, single submitter. Criteria: Invitae Variant Classification Sherloc (09022015). Collection method: clinical testing. Allele origin: germline.
Comment: This sequence change replaces serine, which is neutral and polar, with glycine, which is neutral and non-polar, at codon 125 of the HOMER2 protein (p.Ser125Gly). This variant is not present in population databases (gnomAD no frequency). This variant has not been reported in the literature in individuals affected with HOMER2-related conditions. An algorithm developed to predict the effect of missense changes on protein structure and function (PolyPhen-2) suggests that this variant is likely to be tolerated. Algorithms developed to predict the effect of sequence changes on RNA splicing suggest that this variant may disrupt the consensus splice site. In summary, the available evidence is currently insufficient to determine the role of this variant in disease. Therefore, it has been classified as a Variant of Uncertain Significance.